The following is an entry in ClinVar:

ClinVar aggregate classification (germline): Uncertain significance. Review status: criteria provided, multiple submitters, no conflicts (2 of 4 stars). 2 submissions from 2 submitters: Uncertain significance (2). Last evaluated 2025-04-26.

Conditions:
Deficiency of adenosine deaminase 2. Also called: Polyarteritis nodosa, childhoood-onset; Adenosine Deaminase 2 Deficiency; VASCULITIS, AUTOINFLAMMATION, IMMUNODEFICIENCY, AND HEMATOLOGIC DEFECTS SYNDROME. Identifiers: Orphanet 404553, MedGen C3887654, MONDO:0014306, OMIM 615688, MONDO:0100317.
Sneddon syndrome (SNDNS). Also called: LIVEDO RETICULARIS AND CEREBROVASCULAR ACCIDENTS; Idiopathic livedo reticularis with systemic involvement. Identifiers: Orphanet 820, MedGen C0282492, MONDO:0008436, OMIM 182410.

Allele frequency attached by ClinVar (database versions not stated): ExAC 0.00010; gnomAD exomes 0.00010.
gnomAD v4.1: 37 of 1,613,934 alleles (0.0023%); highest among the groups gnomAD compares: Admixed American, 0.043%; no homozygotes.

Submissions (2):

Labcorp Genetics (formerly Invitae), Labcorp
Classification: Uncertain significance for Deficiency of adenosine deaminase 2. Last evaluated: 2025-04-26. Review status: criteria provided, single submitter. Criteria: Invitae Variant Classification Sherloc (09022015). Collection method: clinical testing. Allele origin: germline.
Comment: This sequence change replaces valine, which is neutral and non-polar, with glycine, which is neutral and non-polar, at codon 458 of the ADA2 protein (p.Val458Gly). This variant is present in population databases (rs748893301, gnomAD 0.05%). This variant has not been reported in the literature in individuals affected with ADA2-related conditions. ClinVar contains an entry for this variant (Variation ID: 1417001). Invitae Evidence Modeling of protein sequence and biophysical properties (such as structural, functional, and spatial information, amino acid conservation, physicochemical variation, residue mobility, and thermodynamic stability) has been performed for this missense variant. However, the output from this modeling did not meet the statistical confidence thresholds required to predict the impact of this variant on ADA2 protein function. In summary, the available evidence is currently insufficient to determine the role of this variant in disease. Therefore, it has been classified as a Variant of Uncertain Significance.

Fulgent Genetics
Classification: Uncertain significance for Sneddon syndrome; Deficiency of adenosine deaminase 2. Last evaluated: 2022-04-22. Review status: criteria provided, single submitter. Criteria: ACMG Guidelines, 2015. Collection method: clinical testing. Allele origin: unknown.

NM_001282225.2(ADA2):c.1373T>G (p.Val458Gly)

Gene: ADA2 (adenosine deaminase 2; minus strand). Cytogenetic location: 22q11.1.
Variant type: single nucleotide variant.
Coding change: c.1373T>G on transcript NM_001282225.2 (MANE Select); coding-DNA position 1373, T replaced by G.
Protein change: p.Val458Gly; replaces valine 458 with glycine.
Molecular consequence: missense variant.
Genome position (GRCh38, 1-based): chr22:17,181,889, A>C on the plus strand (T>G on the coding strand, the complement: ADA2 is on the minus strand). VCF-style: chr22-17181889-A-C. GRCh37 (hg19) VCF-style: chr22-17662779-A-C.
Other names: c.1373T>G, p.Val458Gly (NM_001282226.2); c.1247T>G, p.Val416Gly (NM_001282227.2, NM_001282228.2); c.1013T>G, p.Val338Gly (NM_001282229.2); c.650T>G, p.Val217Gly (NM_177405.3); short protein forms V458G, V338G, V416G, V217G.
Identifiers: ClinVar variation 1417001 (VCV001417001.7), dbSNP rs748893301, ClinGen allele CA10087885.